The following is an entry in ClinVar:

NM_005445.4(SMC3):c.3608C>T (p.Ala1203Val)

Gene: SMC3 (structural maintenance of chromosomes 3; plus strand). Cytogenetic location: 10q25.2.
Variant type: single nucleotide variant.
Coding change: c.3608C>T on transcript NM_005445.4 (MANE Select); coding-DNA position 3608, C replaced by T.
Protein change: p.Ala1203Val; replaces alanine 1203 with valine.
Molecular consequence: missense variant.
Genome position (GRCh38, 1-based): chr10:110,604,256, C>T. VCF-style: chr10-110604256-C-T. GRCh37 (hg19) VCF-style: chr10-112364014-C-T.
Other names: short protein forms A1203V.
Identifiers: ClinVar variation 4999548 (VCV004999548.1).
Genomic context (GRCh38, chr10:110,604,256, plus strand): 5'-TTAACAGATTTTTGTTTTTAACATTTATTCTTCAGGTTAGTCATATTGATGTGATCACAG[C>T]AGAGATGGCCAAAGACTTTGTAGAAGATGATACCACACATGGTTAATTGGAAAATACTAC-3'
Protein context (NP_005436.1, residues 1193-1213): NKVSHIDVIT[Ala1203Val]EMAKDFVEDD

ClinVar aggregate classification (germline): Uncertain significance (1 of 4 stars; one submission).

Conditions:
SMC3-related disorder. Also called: SMC3-related condition.

gnomAD v4.1: 1 of 1,610,840 alleles (0.000062%); highest among the groups gnomAD compares: Non-Finnish European, 0.000085%; no homozygotes.

Submission:

PreventionGenetics, part of Exact Sciences
Classification: Uncertain significance for SMC3-related condition. Last evaluated: 2024-10-16. Review status: criteria provided, single submitter. Criteria: ACMG Guidelines, 2015. Collection method: clinical testing. Allele origin: germline.
Comment: The SMC3 c.3608C>T variant is predicted to result in the amino acid substitution p.Ala1203Val. To our knowledge, this variant has not been reported in the literature or in a large population database (gnomAD), indicating this variant is rare. At this time, the clinical significance of this variant is uncertain due to the absence of conclusive functional and genetic evidence.